The following is an entry in ClinVar:

ClinVar aggregate classification (germline): Uncertain significance. Review status: criteria provided, multiple submitters, no conflicts (2 of 4 stars). 2 submissions from 2 submitters: Uncertain significance (2). Last evaluated 2024-06-18.

Submissions (2):

Labcorp Genetics (formerly Invitae), Labcorp
Classification: Uncertain significance. Last evaluated: 2024-06-18. Review status: criteria provided, single submitter. Criteria: Invitae Variant Classification Sherloc (09022015). Collection method: clinical testing. Allele origin: germline.
Comment: This sequence change replaces valine, which is neutral and non-polar, with methionine, which is neutral and non-polar, at codon 426 of the COL9A3 protein (p.Val426Met). This variant is not present in population databases (gnomAD no frequency). This variant has not been reported in the literature in individuals affected with COL9A3-related conditions. ClinVar contains an entry for this variant (Variation ID: 1704172). Advanced modeling of protein sequence and biophysical properties (such as structural, functional, and spatial information, amino acid conservation, physicochemical variation, residue mobility, and thermodynamic stability) performed at Invitae indicates that this missense variant is not expected to disrupt COL9A3 protein function with a negative predictive value of 95%. In summary, the available evidence is currently insufficient to determine the role of this variant in disease. Therefore, it has been classified as a Variant of Uncertain Significance.

GeneDx
Classification: Uncertain significance. Last evaluated: 2022-09-02. Review status: criteria provided, single submitter. Criteria: GeneDx Variant Classification Process June 2021. Collection method: clinical testing. Allele origin: germline. Affected: yes.
Comment: Not observed at significant frequency in large population cohorts (gnomAD); In silico analysis supports that this missense variant does not alter protein structure/function; Has not been previously published as pathogenic or benign to our knowledge

NM_001853.4(COL9A3):c.1276G>A (p.Val426Met)

Gene: COL9A3 (collagen type IX alpha 3 chain; plus strand). Cytogenetic location: 20q13.33.
Variant type: single nucleotide variant.
Coding change: c.1276G>A on transcript NM_001853.4 (MANE Select); coding-DNA position 1276, G replaced by A.
Protein change: p.Val426Met; replaces valine 426 with methionine.
Molecular consequence: missense variant.
Genome position (GRCh38, 1-based): chr20:62,830,577, G>A. VCF-style: chr20-62830577-G-A. GRCh37 (hg19) VCF-style: chr20-61461929-G-A.
Other names: short protein forms V426M.
Identifiers: ClinVar variation 1704172 (VCV001704172.4), dbSNP rs1224865884, ClinGen allele CA409594836.
Genomic context (GRCh38, chr20:62,830,577, plus strand): 5'-GGCCAGAAGGGCAGCATGGGAGACCCCGGCCTTCCAGGCCCCCAGGGCCTCCGAGGTGAC[G>A]TGGGCGACCGGGTAAGTGGCCCTCTCAGCAGGAAGCTCCCCTGCACCCCCTCTACCCATG-3'
Protein context (NP_001844.3, residues 416-436): LPGPQGLRGD[Val426Met]GDRGPGGAAG